The following is an entry in ClinVar:

NM_024757.5(EHMT1):c.3579del (p.Asn1194fs)

Gene: EHMT1 (euchromatic histone lysine methyltransferase 1; plus strand). Cytogenetic location: 9q34.3.
Variant type: Deletion.
Coding change: c.3579del on transcript NM_024757.5 (MANE Select); coding-DNA position 3579, one base deleted (G; older notation c.3579delG).
Protein change: p.Asn1194fs; shifts the reading frame from asparagine 1194.
Molecular consequence: frameshift variant.
Genome position (GRCh38, 1-based): chr9:137,834,387, G deleted; the last of 3 consecutive G bases (chr9:137,834,385-137,834,387); deleting any one gives the same sequence. VCF-style (leftmost placement, unchanged base first): chr9-137834384-CG-C. GRCh37 (hg19) VCF-style: chr9-140728836-CG-C.
Other names: c.3558del, p.Asn1187fs (NM_001354263.2); short protein forms N1187fs, N1194fs.
Identifiers: ClinVar variation 1453870 (VCV001453870.6), dbSNP rs2133152290, ClinGen allele CA2573144353.

ClinVar aggregate classification (germline): Pathogenic (1 of 4 stars; one submission).

Conditions:
Kleefstra syndrome 1 (KLEFS1). Identifiers: Orphanet 261494, MedGen C0795833, MONDO:0027407, OMIM 610253.

Submission:

Labcorp Genetics (formerly Invitae), Labcorp
Classification: Pathogenic for Kleefstra syndrome 1. Last evaluated: 2021-06-25. Review status: criteria provided, single submitter. Criteria: Invitae Variant Classification Sherloc (09022015). Collection method: clinical testing. Allele origin: germline.
Comment: This variant has been observed in individual(s) with clinical features of EHMT1-related conditions (Invitae). In at least one individual the variant was observed to be de novo. This variant disrupts a region of the protein in which other variant(s) (p.Arg1197Trp) have been observed in individuals with EHMT1-related conditions (PMID: 22670141). This suggests that this may be a clinically significant region of the EHMT1 protein. For these reasons, this variant has been classified as Pathogenic. This variant is not present in population databases (ExAC no frequency). This sequence change creates a premature translational stop signal (p.Asn1194Thrfs*38) in the EHMT1 gene. While this is not anticipated to result in nonsense mediated decay, it is expected to disrupt the last 105 amino acid(s) of the EHMT1 protein.

Literature cited by the submitters: PubMed 22670141.